The following is an entry in ClinVar:

NM_001142800.2(EYS):c.8510T>C (p.Ile2837Thr)

Genes: EYS (EGF-like photoreceptor maintenance factor; minus strand), PHF3 (PHD finger protein 3; plus strand). Cytogenetic location: 6q12.
Variant type: single nucleotide variant.
Coding change: c.8510T>C on transcript NM_001142800.2 (MANE Select); coding-DNA position 8510, T replaced by C.
Protein change: p.Ile2837Thr; replaces isoleucine 2837 with threonine.
Molecular consequence: missense variant. On other transcripts: 3 prime UTR variant (5).
Genome position (GRCh38, 1-based): chr6:63,721,521, A>G on the plus strand (T>C on the coding strand, the complement: EYS is on the minus strand). VCF-style: chr6-63721521-A-G. GRCh37 (hg19) VCF-style: chr6-64431417-A-G.
Other names: c.*7813A>G (NM_001290259.2, NM_001370348.2, NM_001370349.2 and 2 more transcripts); c.8573T>C, p.Ile2858Thr (NM_001292009.2); c.8510T>C (NM_001142800.1); short protein forms I2858T, I2837T.
Identifiers: ClinVar variation 2148152 (VCV002148152.2), dbSNP rs751610535, ClinGen allele CA3876705.

ClinVar aggregate classification (germline): Uncertain significance. Review status: criteria provided, multiple submitters, no conflicts (2 of 4 stars). 2 submissions from 2 submitters: Uncertain significance (2). Last evaluated 2026-04-22.

Conditions:
EYS-related disorder. Also called: EYS-related condition.

Allele frequency attached by ClinVar (database versions not stated): gnomAD 0.00005; gnomAD exomes 0.00005; TOPMed 0.00008; ExAC 0.00009.
gnomAD v4.1: 73 of 1,551,258 alleles (0.0047%); highest among the groups gnomAD compares: Non-Finnish European, 0.0061%; no homozygotes.

Submissions (2):

PreventionGenetics, part of Exact Sciences
Classification: Uncertain significance for EYS-related condition. Last evaluated: 2026-04-22. Review status: criteria provided, single submitter. Criteria: ACMG Guidelines, 2015. Collection method: clinical testing. Allele origin: germline.
Comment: The EYS c.8510T>C variant is predicted to result in the amino acid substitution p.Ile2837Thr. This variant has been reported along with other causative variants in the EYS gene or the ABCA4 gene in individuals with retinal disease (Table S1, Hayman et al. 2024. PubMed ID: 37798099; Table S3, Mihalich et al. 2024. PubMed ID: 38927702). This variant is reported in 0.022% of alleles in individuals of European (Non-Finnish) descent in gnomAD. At this time, the clinical significance of this variant is uncertain due to the absence of conclusive functional and genetic evidence.

Labcorp Genetics (formerly Invitae), Labcorp
Classification: Uncertain significance. Last evaluated: 2022-05-06. Review status: criteria provided, single submitter. Criteria: Invitae Variant Classification Sherloc (09022015). Collection method: clinical testing. Allele origin: germline.
Comment: This sequence change replaces isoleucine, which is neutral and non-polar, with threonine, which is neutral and polar, at codon 2837 of the EYS protein (p.Ile2837Thr). This variant is present in population databases (rs751610535, gnomAD 0.02%). This variant has not been reported in the literature in individuals affected with EYS-related conditions. Algorithms developed to predict the effect of missense changes on protein structure and function output the following: SIFT: "Deleterious"; PolyPhen-2: "Benign"; Align-GVGD: "Class C0". The threonine amino acid residue is found in multiple mammalian species, which suggests that this missense change does not adversely affect protein function. Algorithms developed to predict the effect of sequence changes on RNA splicing suggest that this variant may create or strengthen a splice site. In summary, the available evidence is currently insufficient to determine the role of this variant in disease. Therefore, it has been classified as a Variant of Uncertain Significance.